The following is an entry in ClinVar:

ClinVar aggregate classification (germline): Uncertain significance (1 of 4 stars; one submission).

Conditions:
Townes syndrome (TBS). Also called: Townes-Brocks syndrome. Identifiers: Orphanet 857, MedGen C0265246, MeSH C536974, MONDO:0007142.

Submission:

Labcorp Genetics (formerly Invitae), Labcorp
Classification: Uncertain significance for Townes syndrome. Last evaluated: 2025-04-22. Review status: criteria provided, single submitter. Criteria: Invitae Variant Classification Sherloc (09022015). Collection method: clinical testing. Allele origin: germline.
Comment: This sequence change replaces proline, which is neutral and non-polar, with alanine, which is neutral and non-polar, at codon 94 of the SALL1 protein (p.Pro94Ala). This variant is not present in population databases (gnomAD no frequency). This variant has not been reported in the literature in individuals affected with SALL1-related conditions. Invitae Evidence Modeling of protein sequence and biophysical properties (such as structural, functional, and spatial information, amino acid conservation, physicochemical variation, residue mobility, and thermodynamic stability) indicates that this missense variant is not expected to disrupt SALL1 protein function with a negative predictive value of 80%. In summary, the available evidence is currently insufficient to determine the role of this variant in disease. Therefore, it has been classified as a Variant of Uncertain Significance.

NM_002968.3(SALL1):c.280C>G (p.Pro94Ala)

Gene: SALL1 (spalt like transcription factor 1; minus strand). Cytogenetic location: 16q12.1.
Variant type: single nucleotide variant.
Coding change: c.280C>G on transcript NM_002968.3 (MANE Select); coding-DNA position 280, C replaced by G.
Protein change: p.Pro94Ala; replaces proline 94 with alanine.
Molecular consequence: missense variant. On other transcripts: 5 prime UTR variant (1).
Genome position (GRCh38, 1-based): chr16:51,141,942, G>C on the plus strand (C>G on the coding strand, the complement: SALL1 is on the minus strand). VCF-style: chr16-51141942-G-C. GRCh37 (hg19) VCF-style: chr16-51175853-G-C.
Other names: c.-12C>G (NM_001127892.2); short protein forms P94A.
Identifiers: ClinVar variation 4778309 (VCV004778309.1).